The following is an entry in ClinVar:

NM_000138.5(FBN1):c.8354C>A (p.Thr2785Lys)

Gene: FBN1 (fibrillin 1; minus strand). Cytogenetic location: 15q21.1.
Variant type: single nucleotide variant.
Coding change: c.8354C>A on transcript NM_000138.5 (MANE Select); coding-DNA position 8354, C replaced by A.
Protein change: p.Thr2785Lys; replaces threonine 2785 with lysine.
Molecular consequence: missense variant.
Genome position (GRCh38, 1-based): chr15:48,411,252, G>T on the plus strand (C>A on the coding strand, the complement: FBN1 is on the minus strand). VCF-style: chr15-48411252-G-T. GRCh37 (hg19) VCF-style: chr15-48703449-G-T.
Other names: c.8354C>A, p.Thr2785Lys (NM_001406716.1); short protein forms T2785K.
Identifiers: ClinVar variation 4757274 (VCV004757274.1).
Genomic context (GRCh38, chr15:48,411,252, plus strand): 5'-TTAAAGAAGCCATCTTCATTTCCAGATTCGATCAAGTATCTGTTGTGATTCGTCAGAGTT[G>T]TAAGAGCTGGAAGGAGTTCTAGGATTCGAACCTTGTTACTGACGTGGGAAATATTGAAAG-3'
Protein context (NP_000129.3, residues 2775-2795): VRILELLPAL[Thr2785Lys]TLTNHNRYLI

ClinVar aggregate classification (germline): Uncertain significance (1 of 4 stars; one submission).

Conditions:
Familial thoracic aortic aneurysm and aortic dissection (TAAD). Also called: Thoracic aortic aneurysms and dissections. Identifiers: Orphanet 91387, MedGen C4707243, MONDO:0019625.

gnomAD v4.1: 1 of 1,614,036 alleles (0.000062%); highest among the groups gnomAD compares: African/African-American, 0.0013%; no homozygotes.

Submission:

Color Diagnostics, LLC DBA Color Health
Classification: Uncertain significance for Familial thoracic aortic aneurysm and aortic dissection. Last evaluated: 2025-06-23. Review status: criteria provided, single submitter. Criteria: ACMG Guidelines, 2015. Collection method: clinical testing. Allele origin: germline.
Comment: This missense variant replaces threonine with lysine at codon 2785 of the FBN1 protein. Computational prediction suggests that this variant may not impact protein structure and function. To our knowledge, functional studies have not been reported for this variant. This variant has not been reported in individuals affected with FBN1-related disorders in the literature. This variant has been identified in 1/31408 chromosomes in the general population by the Genome Aggregation Database (gnomAD). The available evidence is insufficient to determine the role of this variant in disease conclusively. Therefore, this variant is classified as a Variant of Uncertain Significance.